The following is an entry in ClinVar:

ClinVar aggregate classification (germline): Uncertain significance (1 of 4 stars; one submission).

Submission:

Labcorp Genetics (formerly Invitae), Labcorp
Classification: Uncertain significance. Last evaluated: 2025-01-29. Review status: criteria provided, single submitter. Criteria: Invitae Variant Classification Sherloc (09022015). Collection method: clinical testing. Allele origin: germline.
Comment: This sequence change replaces proline, which is neutral and non-polar, with arginine, which is basic and polar, at codon 290 of the COL9A2 protein (p.Pro290Arg). This variant is not present in population databases (gnomAD no frequency). This variant has not been reported in the literature in individuals affected with COL9A2-related conditions. Invitae Evidence Modeling of protein sequence and biophysical properties (such as structural, functional, and spatial information, amino acid conservation, physicochemical variation, residue mobility, and thermodynamic stability) indicates that this missense variant is not expected to disrupt COL9A2 protein function with a negative predictive value of 95%. In summary, the available evidence is currently insufficient to determine the role of this variant in disease. Therefore, it has been classified as a Variant of Uncertain Significance.

NM_001852.4(COL9A2):c.869C>G (p.Pro290Arg)

Gene: COL9A2 (collagen type IX alpha 2 chain; minus strand). Cytogenetic location: 1p34.2.
Variant type: single nucleotide variant.
Coding change: c.869C>G on transcript NM_001852.4 (MANE Select); coding-DNA position 869, C replaced by G.
Protein change: p.Pro290Arg; replaces proline 290 with arginine.
Molecular consequence: missense variant.
Genome position (GRCh38, 1-based): chr1:40,308,223, G>C on the plus strand (C>G on the coding strand, the complement: COL9A2 is on the minus strand). VCF-style: chr1-40308223-G-C. GRCh37 (hg19) VCF-style: chr1-40773895-G-C.
Other names: short protein forms P290R.
Identifiers: ClinVar variation 3633535 (VCV003633535.2).